The following is an entry in ClinVar:

NM_017755.6(NSUN2):c.791G>A (p.Arg264Gln)

Gene: NSUN2 (NOP2/Sun RNA methyltransferase 2; minus strand). Cytogenetic location: 5p15.31.
Variant type: single nucleotide variant.
Coding change: c.791G>A on transcript NM_017755.6 (MANE Select); coding-DNA position 791, G replaced by A.
Protein change: p.Arg264Gln; replaces arginine 264 with glutamine.
Molecular consequence: missense variant. On other transcripts: non-coding transcript variant (1).
Genome position (GRCh38, 1-based): chr5:6,620,130, C>T on the plus strand (G>A on the coding strand, the complement: NSUN2 is on the minus strand). VCF-style: chr5-6620130-C-T. GRCh37 (hg19) VCF-style: chr5-6620243-C-T.
Other names: c.686G>A, p.Arg229Gln (NM_001193455.2); short protein forms R229Q, R264Q.
Identifiers: ClinVar variation 1944284 (VCV001944284.6), dbSNP rs200539341, ClinGen allele CA3192674.
Genomic context (GRCh38, chr5:6,620,130, plus strand): 5'-AGTGGATTTGGGCTTTTTGGCCAATAAGATAAATACCTGCAAGGGACATCACATAAAATT[C>T]GATCATAGAAGAGGATCTCTTTCCTGCCGTCCACATCTATCTGGAGCCTGGGTATGCTGG-3'
Protein context (NP_060225.4, residues 254-274): DGRKEILFYD[Arg264Gln]ILCDVPCSGD

ClinVar aggregate classification (germline): Uncertain significance. Review status: criteria provided, multiple submitters, no conflicts (2 of 4 stars). 2 submissions from 2 submitters: Uncertain significance (2). Last evaluated 2022-05-17.

Allele frequency attached by ClinVar (database versions not stated): ExAC 0.00001; gnomAD 0.00001; gnomAD exomes 0.00001; TOPMed 0.00001.
gnomAD v4.1: 17 of 1,599,374 alleles (0.0011%); highest among the groups gnomAD compares: Non-Finnish European, 0.0013%; no homozygotes.

Submissions (2):

Blueprint Genetics
Classification: Uncertain significance. Last evaluated: 2022-05-17. Review status: criteria provided, single submitter. Criteria: ACMG Guidelines, 2015. Collection method: clinical testing. Allele origin: germline.

Labcorp Genetics (formerly Invitae), Labcorp
Classification: Uncertain significance. Last evaluated: 2022-01-26. Review status: criteria provided, single submitter. Criteria: Invitae Variant Classification Sherloc (09022015). Collection method: clinical testing. Allele origin: germline.
Comment: In summary, the available evidence is currently insufficient to determine the role of this variant in disease. Therefore, it has been classified as a Variant of Uncertain Significance. Algorithms developed to predict the effect of missense changes on protein structure and function are either unavailable or do not agree on the potential impact of this missense change (SIFT: "Deleterious"; PolyPhen-2: "Probably Damaging"; Align-GVGD: "Class C0"). This variant has not been reported in the literature in individuals affected with NSUN2-related conditions. The frequency data for this variant in the population databases is considered unreliable, as metrics indicate poor data quality at this position in the gnomAD database. This sequence change replaces arginine, which is basic and polar, with glutamine, which is neutral and polar, at codon 264 of the NSUN2 protein (p.Arg264Gln).